The following is an entry in ClinVar:

NM_000138.5(FBN1):c.1147+7G>A

Genes: FBN1 (fibrillin 1; minus strand), LOC113939944 (Sharpr-MPRA regulatory region 9539; plus strand). Cytogenetic location: 15q21.1.
Variant type: single nucleotide variant.
Coding change: c.1147+7G>A on transcript NM_000138.5 (MANE Select); 7 bases into the intron after coding-DNA position 1147, G replaced by A.
Molecular consequence: intron variant.
Genome position (GRCh38, 1-based): chr15:48,520,652, C>T on the plus strand (G>A on the coding strand, the complement: FBN1 is on the minus strand). VCF-style: chr15-48520652-C-T. GRCh37 (hg19) VCF-style: chr15-48812849-C-T.
Other names: c.1147+7G>A (NM_000138.4).
Identifiers: ClinVar variation 1135652 (VCV001135652.9), dbSNP rs373156788, ClinGen allele CA043756.

ClinVar aggregate classification (germline): Likely benign. Review status: criteria provided, multiple submitters, no conflicts (2 of 4 stars). 2 submissions from 2 submitters: Likely benign (2). Last evaluated 2025-10-03.

Conditions:
Familial thoracic aortic aneurysm and aortic dissection (TAAD). Also called: Thoracic aortic aneurysms and dissections. Identifiers: Orphanet 91387, MedGen C4707243, MONDO:0019625.
Marfan syndrome (MFS). Also called: Marfan syndrome type 1; Marfan's syndrome; Marfan syndrome, classic; MARFAN SYNDROME, TYPE I; FBN1-Related Marfan Syndrome. Identifiers: Orphanet 284963, Orphanet 558, MedGen C0024796, MONDO:0007947, OMIM 154700.

Allele frequency attached by ClinVar (database versions not stated): gnomAD exomes 0.00002 and below 0.00001; gnomAD 0.00005 and 0.00006; ExAC 0.00004; ESP Exome Variant Server 0.00008; 1000 Genomes Project 0.00060; 1000 Genomes Project 30x 0.00062.
gnomAD v4.1: 13 of 1,613,994 alleles (0.00081%); highest among the groups gnomAD compares: African/African-American, 0.017%; 1 homozygote.

Submissions (2):

Labcorp Genetics (formerly Invitae), Labcorp
Classification: Likely benign for Marfan syndrome; Familial thoracic aortic aneurysm and aortic dissection. Last evaluated: 2025-10-03. Review status: criteria provided, single submitter. Criteria: Invitae Variant Classification Sherloc (09022015). Collection method: clinical testing. Allele origin: germline.

Women's Health and Genetics/Laboratory Corporation of America, LabCorp
Classification: Likely benign. Last evaluated: 2023-02-06. Review status: criteria provided, single submitter. Criteria: LabCorp Variant Classification Summary - May 2015. Collection method: clinical testing. Allele origin: germline.
Comment: Variant summary: FBN1 c.1147+7G>A alters a non-conserved nucleotide located close to a canonical splice site and therefore could affect mRNA splicing. 4/4 computational tools predict no significant impact on normal splicing. However, these predictions have yet to be confirmed by functional studies. The variant allele was found at a frequency of 6e-05 in 150886 control chromosomes, predominantly at a frequency of 0.00022 within the African or African-American subpopulation in the gnomAD database (v3.1 genome dataset), including 1 homozygote. The observed variant frequency within the African or African-American control individuals is approximately 2-fold of the estimated maximal expected allele frequency for a pathogenic variant in FBN1 causing Marfan Syndrome phenotype (0.00011), strongly suggesting that the variant is a benign polymorphism. To our knowledge, no occurrence of c.1147+7G>A in individuals affected with Marfan Syndrome and no experimental evidence demonstrating its impact on protein function have been reported. One clinical diagnostic laboratory has submitted clinical-significance assessments for this variant to ClinVar after 2014 without evidence for independent evaluation, and classified the variant as likely benign. Based on the evidence outlined above, the variant was classified as likely benign.